The following is an entry in ClinVar:

ClinVar aggregate classification (germline): Benign (1 of 4 stars; one submission).

Allele frequency attached by ClinVar (database versions not stated): 1000 Genomes Project 30x 0.00281; 1000 Genomes Project 0.00339; TOPMed 0.00890; gnomAD 0.00950.

Submission:

CeGaT Center for Human Genetics Tuebingen
Classification: Benign. Last evaluated: 2026-09-01. Review status: criteria provided, single submitter. Criteria: CeGaT Center For Human Genetics Tuebingen Variant Classification Criteria Version 2. Collection method: clinical testing. Allele origin: germline. Affected: yes. Observed: 12 variant alleles.
Comment: ETV6: BS1, BS2

NM_001987.5(ETV6):c.463+241G>T

Gene: ETV6 (ETS variant transcription factor 6; plus strand). Cytogenetic location: 12p13.2.
Variant type: single nucleotide variant.
Coding change: c.463+241G>T on transcript NM_001987.5 (MANE Select); 241 bases into the intron after coding-DNA position 463, G replaced by T.
Molecular consequence: intron variant.
Genome position (GRCh38, 1-based): chr12:11,853,802, G>T. VCF-style: chr12-11853802-G-T. GRCh37 (hg19) VCF-style: chr12-12006736-G-T.
Other names: c.436+241G>T (NM_001413914.1); c.463+241G>T (NM_001413917.1, NM_001413916.1); c.460+241G>T (NM_001413913.1); c.199+241G>T (NM_001413915.1).
Identifiers: ClinVar variation 2578676 (VCV002578676.25), dbSNP rs189449926, ClinGen allele CA232598684.